The following is an entry in ClinVar:

NM_000218.3(KCNQ1):c.1393+26657dup

Genes: KCNQ1 (potassium voltage-gated channel subfamily Q member 1; plus strand), KCNQ1OT1 (KCNQ1 opposite strand/antisense transcript 1; minus strand). Cytogenetic location: 11p15.5.
Variant type: Duplication.
Coding change: c.1393+26657dup on transcript NM_000218.3 (MANE Select); 26657 bases into the intron after coding-DNA position 1393, one base duplicated (T; older notation c.1393+26657dupT).
Molecular consequence: intron variant. On other transcripts: non-coding transcript variant (1).
Genome position (GRCh38, 1-based): chr11:2,615,511, T duplicated; the last of 8 consecutive T bases (chr11:2,615,504-2,615,511); duplicating any one gives the same sequence. VCF-style (leftmost placement, unchanged base first): chr11-2615503-G-GT. GRCh37 (hg19) VCF-style: chr11-2636733-G-GT.
Other names: c.1123+26657dup (NM_001406837.1); c.1297+26657dup (NM_001406836.1); c.853+26657dup (NM_001406838.1); c.1012+26657dup (NM_181798.2).
Identifiers: ClinVar variation 4281180 (VCV004281180.7).

ClinVar aggregate classification (germline): Likely benign (1 of 4 stars; one submission).

Submission:

CeGaT Center for Human Genetics Tuebingen
Classification: Likely benign. Last evaluated: 2025-09-01. Review status: criteria provided, single submitter. Criteria: CeGaT Center For Human Genetics Tuebingen Variant Classification Criteria Version 2. Collection method: clinical testing. Allele origin: germline. Affected: yes. Observed: 1 variant allele.
Comment: KCNQ1OT1: BS1